The following is an entry in ClinVar:

ClinVar aggregate classification (germline): Uncertain significance (1 of 4 stars; one submission).

Conditions:
Neuropathy, hereditary sensory and autonomic, type 2A (HSAN2A). Also called: MORVAN DISEASE; NEUROPATHY, CONGENITAL SENSORY; NEUROPATHY, HEREDITARY SENSORY RADICULAR, AUTOSOMAL RECESSIVE; NEUROPATHY, HEREDITARY SENSORY, TYPE IIA; NEUROPATHY, PROGRESSIVE SENSORY, OF CHILDREN; HSAN IIA. Identifiers: Orphanet 970, MedGen C2752089, MONDO:0024309, OMIM 201300.
Generalized epilepsy with febrile seizures plus, type 7 (GEFSP7). Also called: GEFS+, TYPE 7. Identifiers: Orphanet 36387, MedGen C2751778, MONDO:0013470, OMIM 613863.

Submission:

Labcorp Genetics (formerly Invitae), Labcorp
Classification: Uncertain significance for Neuropathy, hereditary sensory and autonomic, type 2A; Generalized epilepsy with febrile seizures plus, type 7. Last evaluated: 2023-10-04. Review status: criteria provided, single submitter. Criteria: Invitae Variant Classification Sherloc (09022015). Collection method: clinical testing. Allele origin: germline.
Comment: This variant, c.5202_5204del, results in the deletion of 1 amino acid(s) of the SCN9A protein (p.Ile1735del), but otherwise preserves the integrity of the reading frame. This variant is not present in population databases (gnomAD no frequency). This variant has not been reported in the literature in individuals affected with SCN9A-related conditions. Experimental studies and prediction algorithms are not available or were not evaluated, and the functional significance of this variant is currently unknown. In summary, the available evidence is currently insufficient to determine the role of this variant in disease. Therefore, it has been classified as a Variant of Uncertain Significance.

NM_001365536.1(SCN9A):c.5232CAT[1] (p.Ile1746del)

Genes: SCN9A (sodium voltage-gated channel alpha subunit 9; minus strand), SCN1A-AS1 (SCN1A and SCN9A antisense RNA 1; plus strand). Cytogenetic location: 2q24.3.
Variant type: Microsatellite.
Coding change: c.5232CAT[1] on transcript NM_001365536.1 (MANE Select); one copy of the 3-base unit CAT starting at c.5232; the reference has two copies in a row; one copy, 3 bases deleted.
Protein change: p.Ile1746del; deletes isoleucine 1746.
Molecular consequence: inframe deletion. On other transcripts: inframe indel (1).
Genome position (GRCh38, 1-based): chr2:166,199,402-166,199,404, ATG deleted on the plus strand (CAT on the coding strand, the reverse complement: SCN9A is on the minus strand); deleting any 3 consecutive bases within chr2:166,199,402-166,199,409 gives the same sequence; the position shown is the placement nearest the transcript's 3' end. VCF-style (leftmost placement, unchanged base first): chr2-166199401-TATG-T. GRCh37 (hg19) VCF-style: chr2-167055911-TATG-T.
Other names: c.5197_5199ATC[1], p.Ile1735del (NM_002977.4); short protein forms I1746del, I1735del.
Identifiers: ClinVar variation 2952498 (VCV002952498.3), dbSNP rs1693369802, ClinGen allele CA1038846220.
Genomic context (GRCh38, chr2:166,199,401, plus strand): 5'-GGCAACACTAAAATTCTCCAGTATGACTGCAATGTACATGTTCACCACAACCAGGAAGGA[TATG>T]ATGATATAACTAACAAAGTAGAATATTCCAACAGATGGGTTACCACAGTCTCCTTCAACT-3'